The following is an entry in ClinVar:

NM_001190274.2(FBXO11):c.363C>T (p.Gly121=)

Gene: FBXO11 (F-box protein 11; minus strand). Cytogenetic location: 2p16.3.
Variant type: single nucleotide variant.
Coding change: c.363C>T on transcript NM_001190274.2 (MANE Select); coding-DNA position 363, C replaced by T.
Protein change: p.Gly121=; no amino-acid change (glycine 121 retained).
Molecular consequence: synonymous variant.
Genome position (GRCh38, 1-based): chr2:47,839,498, G>A on the plus strand (C>T on the coding strand, the complement: FBXO11 is on the minus strand). VCF-style: chr2-47839498-G-A. GRCh37 (hg19) VCF-style: chr2-48066637-G-A.
Other names: c.111C>T, p.Gly37= (NM_001374325.1, NM_025133.4).
Identifiers: ClinVar variation 3905228 (VCV003905228.11).

ClinVar aggregate classification (germline): Likely benign. Review status: criteria provided, multiple submitters, no conflicts (2 of 4 stars). 2 submissions from 2 submitters: Likely benign (2). Last evaluated 2025-06-01.

gnomAD v4.1: 13 of 1,613,102 alleles (0.00081%); highest among the groups gnomAD compares: Admixed American, 0.0017%; no homozygotes.

Submissions (2):

CeGaT Center for Human Genetics Tuebingen
Classification: Likely benign. Last evaluated: 2025-06-01. Review status: criteria provided, single submitter. Criteria: CeGaT Center For Human Genetics Tuebingen Variant Classification Criteria Version 2. Collection method: clinical testing. Allele origin: germline. Affected: yes. Observed: 1 variant allele.
Comment: FBXO11: BP4, BP7

Blueprint Genetics
Classification: Likely benign. Last evaluated: 2020-04-14. Review status: criteria provided, single submitter. Criteria: ACMG Guidelines, 2015. Collection method: clinical testing. Allele origin: germline.